The following is an entry in ClinVar:

NM_017617.5(NOTCH1):c.2451C>T (p.Cys817=)

Gene: NOTCH1 (notch receptor 1; minus strand). Cytogenetic location: 9q34.3.
Variant type: single nucleotide variant.
Coding change: c.2451C>T on transcript NM_017617.5 (MANE Select); coding-DNA position 2451, C replaced by T.
Protein change: p.Cys817=; no amino-acid change (cysteine 817 retained).
Molecular consequence: synonymous variant.
Genome position (GRCh38, 1-based): chr9:136,513,037, G>A on the plus strand (C>T on the coding strand, the complement: NOTCH1 is on the minus strand). VCF-style: chr9-136513037-G-A. GRCh37 (hg19) VCF-style: chr9-139407489-G-A.
Identifiers: ClinVar variation 3352358 (VCV003352358.2).

ClinVar aggregate classification (germline): Likely benign. Review status: criteria provided, single submitter (1 of 4 stars). 2 submissions from 2 submitters: Likely benign (1). 1 of the submissions does not count toward it. Last evaluated 2025-10-09.

Conditions:
Adams-Oliver syndrome 5 (AOS5). Identifiers: Orphanet 974, MedGen C4014970, MONDO:0014459, OMIM 616028.
NOTCH1-related disorder. Also called: NOTCH1-related condition; NOTCH1-related disorders.

gnomAD v4.1: 3 of 1,605,048 alleles (0.00019%); highest among the groups gnomAD compares: Non-Finnish European, 0.00026%; no homozygotes.

Submissions (2):

Labcorp Genetics (formerly Invitae), Labcorp
Classification: Likely benign for Adams-Oliver syndrome 5. Last evaluated: 2025-10-09. Review status: criteria provided, single submitter. Criteria: Invitae Variant Classification Sherloc (09022015). Collection method: clinical testing. Allele origin: germline.

PreventionGenetics, part of Exact Sciences
Classification: Likely benign for NOTCH1-related condition. Last evaluated: 2024-03-12. Review status: no assertion criteria provided. Collection method: clinical testing. Allele origin: germline. Not counted in ClinVar's aggregate classification.
Comment: This variant is classified as likely benign based on ACMG/AMP sequence variant interpretation guidelines (Richards et al. 2015 PMID: 25741868, with internal and published modifications).